The following is an entry in ClinVar:

ClinVar aggregate classification (germline): Uncertain significance (1 of 4 stars; one submission).

Conditions:
Cystic fibrosis (CF). Also called: MUCOVISCIDOSIS. Identifiers: Orphanet 586, MedGen C0010674, MONDO:0009061, OMIM 219700. Disease mechanism: loss of function.

Submission:

Johns Hopkins Genomics, Johns Hopkins University
Classification: Uncertain significance for Cystic fibrosis. Last evaluated: 2024-12-17. Review status: criteria provided, single submitter. Criteria: ACMG Guidelines, 2015. Collection method: clinical testing. Allele origin: germline.
Comment: Variant of uncertain clinical significance that is not predicted to alter splicing.

NM_000492.4(CFTR):c.3964-3999_3964-3998insGTAT

Genes: CFTR (CF transmembrane conductance regulator; plus strand), LOC111674468 (CFTR intron 21 enhancer; plus strand). Cytogenetic location: 7q31.2.
Variant type: Insertion.
Coding change: c.3964-3999_3964-3998insGTAT on transcript NM_000492.4 (MANE Select); 3999 bases into the intron before coding-DNA position 3964 through 3998 bases into the intron before coding-DNA position 3964, GTAT inserted.
Molecular consequence: intron variant.
Genome position: GRCh38 VCF-style: chr7-117660688-G-GTGTA. GRCh37 (hg19) VCF-style: chr7-117300742-G-GTGTA.
Identifiers: ClinVar variation 4280114 (VCV004280114.1).
Genomic context (GRCh38, chr7:117,660,688, plus strand): 5'-TCAAAAAGGAAGAAAGAAAGATTATATTGGGGATATATATGTGTGTGTGTGTGTGTGTGT[G>GTGTA]TATATACACACACATATATATATACATATATACATATATATACATATTTAAAGGATAAAG-3'